The following is an entry in ClinVar:

NM_000038.6(APC):c.4535del (p.Asp1512fs)

Gene: APC (APC regulator of Wnt signaling pathway; plus strand). Cytogenetic location: 5q22.2.
Variant type: Deletion.
Coding change: c.4535del on transcript NM_000038.6 (MANE Select); coding-DNA position 4535, one base deleted (A; older notation c.4535delA).
Protein change: p.Asp1512fs; shifts the reading frame from aspartic acid 1512.
Molecular consequence: frameshift variant. On other transcripts: non-coding transcript variant (2).
Genome position (GRCh38, 1-based): chr5:112,840,129, A deleted. VCF-style (leftmost placement, unchanged base first): chr5-112840128-GA-G. GRCh37 (hg19) VCF-style: chr5-112175825-GA-G.
Other names: c.4535del, p.Asp1512fs (NM_001127510.3, NM_001354895.2, NM_001407450.1); c.4481del, p.Asp1494fs (NM_001127511.3); c.4589del, p.Asp1530fs (NM_001354896.2, NM_001407447.1, NM_001407448.1 and 1 more transcripts); c.4565del, p.Asp1522fs (NM_001354897.2); c.4460del, p.Asp1487fs (NM_001354898.2); c.4451del, p.Asp1484fs (NM_001354899.2); c.4412del, p.Asp1471fs (NM_001354900.2); c.4358del, p.Asp1453fs (NM_001354901.2, NM_001407453.1); and 11 more; short protein forms D1128fs, D1229fs, D1352fs, D1383fs, D1386fs, D1411fs, D1421fs, D1429fs.
Identifiers: ClinVar variation 3230523 (VCV003230523.1), dbSNP rs2533581230, ClinGen allele CA2825001372.

ClinVar aggregate classification (germline): Pathogenic (1 of 4 stars; one submission).

Conditions:
Hereditary cancer-predisposing syndrome. Also called: Neoplastic Syndromes, Hereditary; Tumor predisposition; Hereditary neoplastic syndrome; Hereditary Cancer Syndrome. Identifiers: Orphanet 140162, MedGen C0027672, MeSH D009386, MONDO:0015356.

Submission:

Ambry Genetics
Classification: Pathogenic for Hereditary cancer-predisposing syndrome. Last evaluated: 2024-01-25. Review status: criteria provided, single submitter. Criteria: Ambry Variant Classification Scheme 2023. Collection method: clinical testing. Allele origin: germline.
Comment: The c.4535delA pathogenic mutation, located in coding exon 15 of the APC gene, results from a deletion of one nucleotide at nucleotide position 4535, causing a translational frameshift with a predicted alternate stop codon (p.D1512Vfs*11). This variant has been observed in at least one individual with a personal and/or family history that is consistent with APC-associated polyposis conditions (Ambry internal data). This variant is considered to be rare based on population cohorts in the Genome Aggregation Database (gnomAD). This alteration is expected to result in loss of function by premature protein truncation or nonsense-mediated mRNA decay. As such, this alteration is interpreted as a disease-causing mutation.